The following is an entry in ClinVar:

NM_007294.4(BRCA1):c.2474dup (p.Asp825fs)

Gene: BRCA1 (BRCA1 DNA repair associated; minus strand). Cytogenetic location: 17q21.31.
Variant type: Duplication.
Coding change: c.2474dup on transcript NM_007294.4 (MANE Select); coding-DNA position 2474, one base duplicated (A; older notation c.2474dupA).
Protein change: p.Asp825fs; shifts the reading frame from aspartic acid 825.
Molecular consequence: frameshift variant. On other transcripts: intron variant (137).
Genome position (GRCh38, 1-based): chr17:43,093,057, T duplicated on the plus strand (A on the coding strand, the reverse complement: BRCA1 is on the minus strand). VCF-style (leftmost placement, unchanged base first): chr17-43093056-G-GT. GRCh37 (hg19) VCF-style: chr17-41245073-G-GT.
Other names: 2593insA; c.2474dupA (NM_007294.3); c.2261dup, p.Asp754fs (NM_001407571.1, NM_001407853.1, NM_001407894.1 and 9 more transcripts); c.2474dup, p.Asp825fs (NM_001407581.1, NM_001407582.1, NM_001407583.1 and 30 more transcripts); c.2471dup, p.Asp824fs (NM_001407587.1, NM_001407590.1, NM_001407591.1 and 22 more transcripts); c.2465dup, p.Asp822fs (NM_001407646.1, NM_001407647.1); c.2351dup, p.Asp784fs (NM_001407648.1, NM_001407664.1, NM_001407665.1 and 19 more transcripts); c.2348dup, p.Asp783fs (NM_001407649.1, NM_001407670.1, NM_001407671.1 and 11 more transcripts); and 43 more; short protein forms D825fs, D778fs, D736fs, D737fs, D755fs, D758fs, D697fs, D714fs.
Identifiers: ClinVar variation 125571 (VCV000125571.11), dbSNP rs80357830, ClinGen allele CA001644.

ClinVar aggregate classification (germline): Pathogenic. Review status: reviewed by expert panel (3 of 4 stars). 5 submissions from 5 submitters: Pathogenic (1). 4 of the submissions do not count toward it. Last evaluated 2016-09-08.

Conditions:
Hereditary cancer-predisposing syndrome. Also called: Tumor predisposition; Hereditary neoplastic syndrome; Hereditary Cancer Syndrome; Neoplastic Syndromes, Hereditary. Identifiers: Orphanet 140162, MedGen C0027672, MeSH D009386, MONDO:0015356.
Hereditary breast ovarian cancer syndrome. Also called: Hereditary breast and/or ovarian cancer syndrome; Breast and ovarian cancer; Hereditary breast and ovarian cancer syndrome; Hereditary breast and ovarian cancer; Hereditary breast and ovarian cancer syndrome (HBOC); BRCA1- and BRCA2-Associated Hereditary Breast and Ovarian Cancer. Identifiers: Orphanet 145, MedGen C0677776, MeSH D061325, MONDO:0003582. Disease mechanism: loss of function.
Breast-ovarian cancer, familial, susceptibility to, 1 (BROVCA1). Also called: BRCA1 Hereditary Breast and Ovarian Cancer; OVARIAN CANCER, SUSCEPTIBILITY TO. Identifiers: Orphanet 145, MedGen C2676676, MONDO:0011450, OMIM 604370. Disease mechanism: loss of function.

Submissions (5):

Evidence-based Network for the Interpretation of Germline Mutant Alleles (ENIGMA)
Classification: Pathogenic for Breast-ovarian cancer, familial, susceptibility to, 1. Last evaluated: 2016-09-08. Review status: reviewed by expert panel. Criteria: ENIGMA BRCA1/2 Classification Criteria (2015). Collection method: curation. Allele origin: germline.
Comment: Variant allele predicted to encode a truncated non-functional protein.

Labcorp Genetics (formerly Invitae), Labcorp
Classification: Pathogenic for Hereditary breast ovarian cancer syndrome. Last evaluated: 2022-07-26. Review status: criteria provided, single submitter. Criteria: Invitae Variant Classification Sherloc (09022015). Collection method: clinical testing. Allele origin: germline. Not counted in ClinVar's aggregate classification.
Comment: This variant is not present in population databases (gnomAD no frequency). For these reasons, this variant has been classified as Pathogenic. ClinVar contains an entry for this variant (Variation ID: 125571). This variant has not been reported in the literature in individuals affected with BRCA1-related conditions. This sequence change creates a premature translational stop signal (p.Asp825Glufs*6) in the BRCA1 gene. It is expected to result in an absent or disrupted protein product. Loss-of-function variants in BRCA1 are known to be pathogenic (PMID: 20104584).

Ambry Genetics
Classification: Pathogenic for Hereditary cancer-predisposing syndrome. Last evaluated: 2018-11-23. Review status: criteria provided, single submitter. Criteria: Ambry Variant Classification Scheme 2023. Collection method: clinical testing. Allele origin: germline. Not counted in ClinVar's aggregate classification.
Comment: The c.2474dupA pathogenic mutation, located in coding exon 9 of the BRCA1 gene, results from a duplication of A at nucleotide position 2474, causing a translational frameshift with a predicted alternate stop codon (p.D825Efs*6). This alteration is expected to result in loss of function by premature protein truncation or nonsense-mediated mRNA decay. As such, this alteration is interpreted as a disease-causing mutation.

Consortium of Investigators of Modifiers of BRCA1/2 (CIMBA), c/o University of Cambridge
Classification: Pathogenic for Breast-ovarian cancer, familial, susceptibility to, 1. Last evaluated: 2015-10-02. Review status: criteria provided, single submitter. Criteria: CIMBA Mutation Classification guidelines May 2016. Collection method: clinical testing. Allele origin: germline. Not counted in ClinVar's aggregate classification.

Breast Cancer Information Core (BIC) (BRCA1)
Classification: Pathogenic for Breast-ovarian cancer, familial 1. Last evaluated: 2004-11-25. Review status: no assertion criteria provided. Collection method: clinical testing. Allele origin: germline. Affected: yes. Observed: 1 variant allele. Not counted in ClinVar's aggregate classification.

Literature cited by the submitters: PubMed 20104584 (cited by Labcorp Genetics (formerly Invitae), Labcorp).